The following is an entry in ClinVar:

NM_000053.4(ATP7B):c.2306T>G (p.Met769Arg)

Gene: ATP7B (ATPase copper transporting beta; minus strand). Cytogenetic location: 13q14.3.
Variant type: single nucleotide variant.
Coding change: c.2306T>G on transcript NM_000053.4 (MANE Select); coding-DNA position 2306, T replaced by G.
Protein change: p.Met769Arg; replaces methionine 769 with arginine.
Molecular consequence: missense variant. On other transcripts: intron variant (14).
Genome position (GRCh38, 1-based): chr13:51,958,360, A>C on the plus strand (T>G on the coding strand, the complement: ATP7B is on the minus strand). VCF-style: chr13-51958360-A-C. GRCh37 (hg19) VCF-style: chr13-52532496-A-C.
Other names: c.1973T>G, p.Met658Arg (NM_001243182.2); c.2054T>G, p.Met685Arg (NM_001330579.2, NM_001406531.1, NM_001406532.1 and 1 more transcripts); c.2306T>G, p.Met769Arg (NM_001406511.1, NM_001406512.1, NM_001406513.1 and 7 more transcripts); c.2273T>G, p.Met758Arg (NM_001406514.1); c.2210T>G, p.Met737Arg (NM_001406517.1, NM_001406518.1); c.2162T>G, p.Met721Arg (NM_001406520.1, NM_001406521.1, NM_001406522.1 and 1 more transcripts); c.2129T>G, p.Met710Arg (NM_001406524.1); c.2066T>G, p.Met689Arg (NM_001406530.1); and 8 more; short protein forms M626R, M653R, M658R, M685R, M689R, M710R, M721R, M737R.
Identifiers: ClinVar variation 3895944 (VCV003895944.1).

ClinVar aggregate classification (germline): Uncertain significance (1 of 4 stars; one submission).

Submission:

Women's Health and Genetics/Laboratory Corporation of America, LabCorp
Classification: Uncertain significance. Last evaluated: 2025-03-25. Review status: criteria provided, single submitter. Criteria: LabCorp Variant Classification Summary - May 2015. Collection method: clinical testing. Allele origin: germline.
Comment: Variant summary: ATP7B c.2306T>G (p.Met769Arg) results in a non-conservative amino acid change in the encoded protein sequence. Five of five in-silico tools predict a damaging effect of the variant on protein function. The variant allele was found at a frequency of 4e-06 in 249554 control chromosomes. The available data on variant occurrences in the general population are insufficient to allow any conclusion about variant significance. c.2306T>G has been reported in the literature in individuals affected with Wilson Disease (Curtis_1999). These report(s) do not provide unequivocal conclusions about association of the variant with Wilson Disease. A different variant affecting the same codon has been classified as pathogenic by our lab (c.2305A>G, p.Met769Val), however additional evidence is needed to make unequivocal conclusions about variant significance. To our knowledge, no experimental evidence demonstrating an impact on protein function has been reported. The following publication have been ascertained in the context of this evaluation (PMID: 10502777). No submitters have cited clinical-significance assessments for this variant to ClinVar. Based on the evidence outlined above, the variant was classified as uncertain significance.

Literature cited by the submitters: PubMed 10502777.